The following is an entry in ClinVar:

ClinVar aggregate classification (germline): Uncertain significance. Review status: criteria provided, multiple submitters, no conflicts (2 of 4 stars). 2 submissions from 2 submitters: Uncertain significance (2). Last evaluated 2025-08-17.

Conditions:
Cardiovascular phenotype. Identifiers: MedGen CN230736.
Brugada syndrome 8 (BRGDA8). Identifiers: Orphanet 130, MedGen C2751083, MONDO:0013148, OMIM 613123.

Allele frequency attached by ClinVar (database versions not stated): TOPMed below 0.00001; gnomAD exomes 0.00002 and 0.00004.

Submissions (2):

Labcorp Genetics (formerly Invitae), Labcorp
Classification: Uncertain significance for Brugada syndrome 8. Last evaluated: 2025-08-17. Review status: criteria provided, single submitter. Criteria: Invitae Variant Classification Sherloc (09022015). Collection method: clinical testing. Allele origin: germline.
Comment: This sequence change replaces valine, which is neutral and non-polar, with isoleucine, which is neutral and non-polar, at codon 1017 of the HCN4 protein (p.Val1017Ile). This variant is present in population databases (no rsID available, gnomAD 0.02%). This variant has not been reported in the literature in individuals affected with HCN4-related conditions. ClinVar contains an entry for this variant (Variation ID: 1501151). Invitae Evidence Modeling of protein sequence and biophysical properties (such as structural, functional, and spatial information, amino acid conservation, physicochemical variation, residue mobility, and thermodynamic stability) indicates that this missense variant is not expected to disrupt HCN4 protein function with a negative predictive value of 95%. In summary, the available evidence is currently insufficient to determine the role of this variant in disease. Therefore, it has been classified as a Variant of Uncertain Significance.

Ambry Genetics
Classification: Uncertain significance for Cardiovascular phenotype. Last evaluated: 2024-04-12. Review status: criteria provided, single submitter. Criteria: Ambry Variant Classification Scheme 2023. Collection method: clinical testing. Allele origin: germline.
Comment: The p.V1017I variant (also known as c.3049G>A), located in coding exon 8 of the HCN4 gene, results from a G to A substitution at nucleotide position 3049. The valine at codon 1017 is replaced by isoleucine, an amino acid with highly similar properties. This amino acid position is not well conserved in available vertebrate species, and isoleucine is the reference amino acid in other vertebrate species. In addition, this alteration is predicted to be tolerated by in silico analysis. Since supporting evidence is limited at this time, the clinical significance of this alteration remains unclear.

NM_005477.3(HCN4):c.3049G>A (p.Val1017Ile)

Gene: HCN4 (hyperpolarization activated cyclic nucleotide gated potassium channel 4; minus strand). Cytogenetic location: 15q24.1.
Variant type: single nucleotide variant.
Coding change: c.3049G>A on transcript NM_005477.3 (MANE Select); coding-DNA position 3049, G replaced by A.
Protein change: p.Val1017Ile; replaces valine 1017 with isoleucine.
Molecular consequence: missense variant.
Genome position (GRCh38, 1-based): chr15:73,323,044, C>T on the plus strand (G>A on the coding strand, the complement: HCN4 is on the minus strand). VCF-style: chr15-73323044-C-T. GRCh37 (hg19) VCF-style: chr15-73615385-C-T.
Other names: short protein forms V1017I.
Identifiers: ClinVar variation 1501151 (VCV001501151.8), dbSNP rs1476274605, ClinGen allele CA393086337.